The following is an entry in ClinVar:

ClinVar aggregate classification (germline): Uncertain significance. Review status: criteria provided, single submitter (1 of 4 stars). 2 submissions from 2 submitters: Uncertain significance (1). 1 of the submissions does not count toward it. Last evaluated 2022-02-24.

Conditions:
Congenital myasthenic syndrome (CMS). Also called: Congenital Myasthenic Syndromes. Identifiers: Orphanet 590, MedGen C0751882, MeSH D020294, MONDO:0018940.
Congenital myasthenic syndrome 4A. Also called: Myasthenic syndrome, congenital, 4a, slow-channel; MYASTHENIC SYNDROME, CONGENITAL, 4A, SLOW-CHANNEL, AUTOSOMAL RECESSIVE; CONGENITAL MYASTHENIC SYNDROME TYPE Ia1. Identifiers: Orphanet 590, MedGen C4225413, MONDO:0011600, OMIM 605809.

Allele frequency attached by ClinVar (database versions not stated): TOPMed 0.00001; ExAC 0.00002; gnomAD exomes 0.00002.
gnomAD v4.1: 15 of 1,613,848 alleles (0.00093%); highest among the groups gnomAD compares: Middle Eastern, 0.049%; no homozygotes.

Submissions (2):

Labcorp Genetics (formerly Invitae), Labcorp
Classification: Uncertain significance for Congenital myasthenic syndrome 4A. Last evaluated: 2022-02-24. Review status: criteria provided, single submitter. Criteria: Invitae Variant Classification Sherloc (09022015). Collection method: clinical testing. Allele origin: germline.
Comment: This sequence change replaces isoleucine, which is neutral and non-polar, with methionine, which is neutral and non-polar, at codon 235 of the CHRNE protein (p.Ile235Met). This variant is present in population databases (rs748765369, gnomAD 0.006%). This variant has not been reported in the literature in individuals affected with CHRNE-related conditions. ClinVar contains an entry for this variant (Variation ID: 964861). Advanced modeling of protein sequence and biophysical properties (such as structural, functional, and spatial information, amino acid conservation, physicochemical variation, residue mobility, and thermodynamic stability) performed at Invitae indicates that this missense variant is not expected to disrupt CHRNE protein function. In summary, the available evidence is currently insufficient to determine the role of this variant in disease. Therefore, it has been classified as a Variant of Uncertain Significance.

Natera, Inc.
Classification: Uncertain significance for Congenital myasthenic syndrome. Last evaluated: 2020-07-07. Review status: no assertion criteria provided. Collection method: clinical testing. Allele origin: germline. Not counted in ClinVar's aggregate classification.

NM_000080.4(CHRNE):c.705C>G (p.Ile235Met)

Genes: C17orf107 (chromosome 17 open reading frame 107; plus strand), CHRNE (cholinergic receptor nicotinic epsilon subunit; minus strand). Cytogenetic location: 17p13.2.
Variant type: single nucleotide variant.
Coding change: c.705C>G on transcript NM_000080.4 (MANE Select); coding-DNA position 705, C replaced by G.
Protein change: p.Ile235Met; replaces isoleucine 235 with methionine.
Molecular consequence: missense variant. On other transcripts: 3 prime UTR variant (1).
Genome position (GRCh38, 1-based): chr17:4,901,087, G>C on the plus strand (C>G on the coding strand, the complement: CHRNE is on the minus strand). VCF-style: chr17-4901087-G-C. GRCh37 (hg19) VCF-style: chr17-4804382-G-C.
Other names: c.*554G>C (NM_001145536.2); short protein forms I235M.
Identifiers: ClinVar variation 964861 (VCV000964861.5), dbSNP rs748765369, ClinGen allele CA8314284.